The following is an entry in ClinVar:

ClinVar aggregate classification (germline): Uncertain significance (1 of 4 stars; one submission).

Conditions:
RIDDLE syndrome. Identifiers: Orphanet 420741, MedGen C2677792, MONDO:0012764, OMIM 611943.

Allele frequency attached by ClinVar (database versions not stated): gnomAD exomes 0.00001; TOPMed 0.00003.
gnomAD v4.1: 28 of 1,613,594 alleles (0.0017%); highest among the groups gnomAD compares: African/African-American, 0.0027%; no homozygotes.

Submission:

Labcorp Genetics (formerly Invitae), Labcorp
Classification: Uncertain significance. Last evaluated: 2022-07-19. Review status: criteria provided, single submitter. Criteria: Invitae Variant Classification Sherloc (09022015). Collection method: clinical testing. Allele origin: germline.
Comment: This sequence change replaces threonine, which is neutral and polar, with alanine, which is neutral and non-polar, at codon 479 of the RNF168 protein (p.Thr479Ala). This variant is present in population databases (no rsID available, gnomAD 0.002%). This variant has not been reported in the literature in individuals affected with RNF168-related conditions. ClinVar contains an entry for this variant (Variation ID: 1389802). Algorithms developed to predict the effect of missense changes on protein structure and function output the following: SIFT: "Tolerated"; PolyPhen-2: "Benign"; Align-GVGD: "Class C0". The alanine amino acid residue is found in multiple mammalian species, which suggests that this missense change does not adversely affect protein function. In summary, the available evidence is currently insufficient to determine the role of this variant in disease. Therefore, it has been classified as a Variant of Uncertain Significance.

NM_152617.4(RNF168):c.1435A>G (p.Thr479Ala)

Gene: RNF168 (ring finger protein 168; minus strand). Cytogenetic location: 3q29.
Variant type: single nucleotide variant.
Coding change: c.1435A>G on transcript NM_152617.4 (MANE Select); coding-DNA position 1435, A replaced by G.
Protein change: p.Thr479Ala; replaces threonine 479 with alanine.
Molecular consequence: missense variant.
Genome position (GRCh38, 1-based): chr3:196,472,100, T>C on the plus strand (A>G on the coding strand, the complement: RNF168 is on the minus strand). VCF-style: chr3-196472100-T-C. GRCh37 (hg19) VCF-style: chr3-196198971-T-C.
Other names: c.1435A>G (NM_152617.3); short protein forms T479A.
Identifiers: ClinVar variation 1389802 (VCV001389802.4), dbSNP rs1278067129, ClinGen allele CA355615741.